The following is an entry in ClinVar:

ClinVar aggregate classification (germline): Pathogenic (1 of 4 stars; one submission).

Allele frequency attached by ClinVar (database versions not stated): gnomAD exomes below 0.00001.
gnomAD v4.1: 1 of 1,613,874 alleles (0.000062%); highest among the groups gnomAD compares: Non-Finnish European, 0.000085%; no homozygotes.

Submission:

GeneDx
Classification: Pathogenic. Last evaluated: 2012-06-08. Review status: criteria provided, single submitter. Criteria: GeneDx Variant Classification (06012015). Collection method: clinical testing. Allele origin: germline. Affected: yes.
Comment: p.Ser378Arg (AGC>CGC): c.1132 A>C in exon 8 of the NDUFV1 gene (NM_007103.3). The S378R has not been published as a mutation, nor has it been reported as a benign polymorphism to our knowledge. The S378R missense change is non-conservative in that an uncharged Serine residue is replaced by a positively charged Arginine residue. This amino acid change is located at a conserved position in the NDUFV1 protein and multiple in-silico analysis models predict that S378R is damaging to the NDUFV1 protein. Therefore, we interpret S378R to be disease-causing mutation. The variant is found in MITONUC-MITOP panel(s).

NM_007103.4(NDUFV1):c.1132A>C (p.Ser378Arg)

Genes: NDUFV1 (NADH:ubiquinone oxidoreductase core subunit V1; plus strand), LOC126861242 (CDK7 strongly-dependent group 2 enhancer GRCh37_chr11:67379204-67380403; plus strand). Cytogenetic location: 11q13.2.
Variant type: single nucleotide variant.
Coding change: c.1132A>C on transcript NM_007103.4 (MANE Select); coding-DNA position 1132, A replaced by C.
Protein change: p.Ser378Arg; replaces serine 378 with arginine.
Molecular consequence: missense variant.
Genome position (GRCh38, 1-based): chr11:67,611,948, A>C. VCF-style: chr11-67611948-A-C. GRCh37 (hg19) VCF-style: chr11-67379419-A-C.
Other names: p.S378R:AGC>CGC; c.1105A>C, p.Ser369Arg (NM_001166102.2); short protein forms S378R, S369R.
Identifiers: ClinVar variation 214861 (VCV000214861.2), dbSNP rs863224118, ClinGen allele CA321973.